The following is an entry in ClinVar:

ClinVar aggregate classification (germline): Pathogenic (1 of 4 stars; one submission).

Conditions:
Hypohidrotic X-linked ectodermal dysplasia (XHED). Also called: Anhidrotic ectodermal dysplasia X-linked; Christ Siemens Touraine syndrome; ECTODERMAL DYSPLASIA 1, HYPOHIDROTIC, X-LINKED; ECTODERMAL DYSPLASIA 1, HYPOHIDROTIC/HAIR/TOOTH TYPE, X-LINKED; Christ-Siemans-Touraine syndrome; ECTODERMAL DYSPLASIA 1. Identifiers: Orphanet 181, Orphanet 238468, MedGen C0162359, MONDO:0010585, OMIM 305100.

Submission:

Labcorp Genetics (formerly Invitae), Labcorp
Classification: Pathogenic for Hypohidrotic X-linked ectodermal dysplasia. Last evaluated: 2018-03-28. Review status: criteria provided, single submitter. Criteria: Invitae Variant Classification Sherloc (09022015). Collection method: clinical testing. Allele origin: germline.
Comment: Loss-of-function variants in EDA are known to be pathogenic (PMID: 9683615). This variant has not been reported in the literature in individuals with EDA-related disease. This variant is not present in population databases (ExAC no frequency). This sequence change creates a premature translational stop signal (p.Val154Cysfs*5) in the EDA gene. It is expected to result in an absent or disrupted protein product. For these reasons, this variant has been classified as Pathogenic.

Literature cited by the submitters: PubMed 9683615.

NM_001399.5(EDA):c.459dup (p.Val154fs)

Gene: EDA (ectodysplasin A; plus strand). Cytogenetic location: Xq13.1.
Variant type: Duplication.
Coding change: c.459dup on transcript NM_001399.5 (MANE Select); coding-DNA position 459, one base duplicated (T; older notation c.459dupT).
Protein change: p.Val154fs; shifts the reading frame from valine 154.
Molecular consequence: frameshift variant.
Genome position (GRCh38, 1-based): chrX:69,957,089, T duplicated. VCF-style (leftmost placement, unchanged base first): chrX-69957088-G-GT. GRCh37 (hg19) VCF-style: chrX-69176938-G-GT.
Other names: c.459dupT (NM_001399.4); c.459dup, p.Val154fs (NM_001005609.2, NM_001005612.3); short protein forms V154fs.
Identifiers: ClinVar variation 569609 (VCV000569609.6), dbSNP rs1569384962, ClinGen allele CA891843658.
Genomic context (GRCh38, chrX:69,957,088, plus strand): 5'-TGGCCCTATTGAATTTCTTCTTCCCTGATGAAAAGCCATACTCTGAAGAAGAAAGTAGGC[G>GT]TGTTCGCCGCAATAAAAGAAGCAAAAGCAATGAAGGAGCAGATGGTAAGTCTACTCAGTT-3'